The following is an entry in ClinVar:

ClinVar aggregate classification (germline): Uncertain significance (1 of 4 stars; one submission).

Conditions:
T-B+ severe combined immunodeficiency due to JAK3 deficiency. Also called: SCID, autosomal recessive, T-negative/B-positive type; SCID, T CELL-NEGATIVE, B CELL-POSITIVE, NK CELL-NEGATIVE. Identifiers: Orphanet 35078, MedGen C1833275, MONDO:0010938, OMIM 600802.

gnomAD v4.1: 1 of 1,614,076 alleles (0.000062%); highest among the groups gnomAD compares: African/African-American, 0.0013%; no homozygotes.

Submission:

Labcorp Genetics (formerly Invitae), Labcorp
Classification: Uncertain significance for T-B+ severe combined immunodeficiency due to JAK3 deficiency. Last evaluated: 2022-08-15. Review status: criteria provided, single submitter. Criteria: Invitae Variant Classification Sherloc (09022015). Collection method: clinical testing. Allele origin: germline.
Comment: This sequence change replaces histidine, which is basic and polar, with leucine, which is neutral and non-polar, at codon 541 of the JAK3 protein (p.His541Leu). This variant is not present in population databases (gnomAD no frequency). This variant has not been reported in the literature in individuals affected with JAK3-related conditions. ClinVar contains an entry for this variant (Variation ID: 661007). Advanced modeling of protein sequence and biophysical properties (such as structural, functional, and spatial information, amino acid conservation, physicochemical variation, residue mobility, and thermodynamic stability) performed at Invitae indicates that this missense variant is not expected to disrupt JAK3 protein function. In summary, the available evidence is currently insufficient to determine the role of this variant in disease. Therefore, it has been classified as a Variant of Uncertain Significance.

NM_000215.4(JAK3):c.1622A>T (p.His541Leu)

Gene: JAK3 (Janus kinase 3; minus strand). Cytogenetic location: 19p13.11.
Variant type: single nucleotide variant.
Coding change: c.1622A>T on transcript NM_000215.4 (MANE Select); coding-DNA position 1622, A replaced by T.
Protein change: p.His541Leu; replaces histidine 541 with leucine.
Molecular consequence: missense variant.
Genome position (GRCh38, 1-based): chr19:17,838,011, T>A on the plus strand (A>T on the coding strand, the complement: JAK3 is on the minus strand). VCF-style: chr19-17838011-T-A. GRCh37 (hg19) VCF-style: chr19-17948820-T-A.
Other names: short protein forms H541L.
Identifiers: ClinVar variation 661007 (VCV000661007.6), dbSNP rs148777897, ClinGen allele CA404769524.
Genomic context (GRCh38, chr19:17,838,011, plus strand): 5'-TTGGCATCCATGACCTTCAGCAGCACCTCTGTCTTTCGGGCCTCCCCATCCACCACCTCA[T>A]GGCGACAGCCCCGGTAAATCTTGGTGAAGGACCCATGGCCCAGGTTCTCATGCTGAATGG-3'
Protein context (NP_000206.2, residues 531-551): SFTKIYRGCR[His541Leu]EVVDGEARKT